The following is an entry in ClinVar:

ClinVar aggregate classification (germline): Uncertain significance (1 of 4 stars; one submission).

Conditions:
Cardiovascular phenotype. Identifiers: MedGen CN230736.

Submission:

Ambry Genetics
Classification: Uncertain significance for Cardiovascular phenotype. Last evaluated: 2026-09-11. Review status: criteria provided, single submitter. Criteria: Ambry Variant Classification Scheme 2023. Collection method: clinical testing. Allele origin: germline.
Comment: The p.F3850Y variant (also known as c.11549T>A), located in coding exon 26 of the APOB gene, results from a T to A substitution at nucleotide position 11549. The phenylalanine at codon 3850 is replaced by tyrosine, an amino acid with highly similar properties. This amino acid position is conserved. In addition, this alteration is predicted to be tolerated by in silico analysis. Based on the available evidence, the clinical significance of this variant remains unclear.

NM_000384.3(APOB):c.11549T>A (p.Phe3850Tyr)

Gene: APOB (apolipoprotein B; minus strand). Cytogenetic location: 2p24.1.
Variant type: single nucleotide variant.
Coding change: c.11549T>A on transcript NM_000384.3 (MANE Select); coding-DNA position 11549, T replaced by A.
Protein change: p.Phe3850Tyr; replaces phenylalanine 3850 with tyrosine.
Molecular consequence: missense variant.
Genome position (GRCh38, 1-based): chr2:21,005,319, A>T on the plus strand (T>A on the coding strand, the complement: APOB is on the minus strand). VCF-style: chr2-21005319-A-T. GRCh37 (hg19) VCF-style: chr2-21228191-A-T.
Other names: short protein forms F3850Y.
Identifiers: ClinVar variation 3933896 (VCV003933896.2).
Genomic context (GRCh38, chr2:21,005,319, plus strand): 5'-GAGAACTTAATGGAGGGAATCTCAATGGTCTGCTCAGGCACGATGATGGTGGGCAACTCA[A>T]AGTCTGCGATCTTGTTGGCTACTGCATTTAGATCCAAAGCAGCAATGCCATCTGAAACAC-3'
Protein context (NP_000375.3, residues 3840-3860): LNAVANKIAD[Phe3850Tyr]ELPTIIVPEQ